The following is an entry in ClinVar:

ClinVar aggregate classification (germline): Uncertain significance (1 of 4 stars; one submission).

Conditions:
Ehlers-Danlos syndrome, classic type, 1 (EDSCL1). Also called: EHLERS-DANLOS SYNDROME, GRAVIS TYPE; EHLERS-DANLOS SYNDROME, SEVERE CLASSIC TYPE; Ehlers-Danlos syndrome, type 1; Ehlers-Danlos Syndrome, Classic Type, COL5A1-Related; EDS I. Identifiers: MedGen C0268335, MONDO:0019567, OMIM 130000.
Osteogenesis imperfecta type I (OI1). Also called: OI, TYPE I; OSTEOGENESIS IMPERFECTA TARDA; OSTEOGENESIS IMPERFECTA WITH BLUE SCLERAE; Osteogenesis imperfecta type 1; Lobstein's Disease; Lobstein disease. Identifiers: Orphanet 216796, Orphanet 666, MedGen C0023931, MONDO:0008146, OMIM 166200. Disease mechanism: loss of function.

Submission:

Labcorp Genetics (formerly Invitae), Labcorp
Classification: Uncertain significance for Osteogenesis imperfecta type I; Ehlers-Danlos syndrome, classic type, 1. Last evaluated: 2024-02-20. Review status: criteria provided, single submitter. Criteria: Invitae Variant Classification Sherloc (09022015). Collection method: clinical testing. Allele origin: germline.
Comment: This sequence change affects codon 126 of the COL1A2 mRNA. It is a 'silent' change, meaning that it does not change the encoded amino acid sequence of the COL1A2 protein. It affects a nucleotide within the consensus splice site. This variant is not present in population databases (gnomAD no frequency). This variant has not been reported in the literature in individuals affected with COL1A2-related conditions. Algorithms developed to predict the effect of sequence changes on RNA splicing suggest that this variant is not likely to affect RNA splicing. In summary, the available evidence is currently insufficient to determine the role of this variant in disease. Therefore, it has been classified as a Variant of Uncertain Significance.

NM_000089.4(COL1A2):c.378T>G (p.Thr126=)

Gene: COL1A2 (collagen type I alpha 2 chain; plus strand). Cytogenetic location: 7q21.3.
Variant type: single nucleotide variant.
Coding change: c.378T>G on transcript NM_000089.4 (MANE Select); coding-DNA position 378, T replaced by G.
Protein change: p.Thr126=; no amino-acid change (threonine 126 retained).
Molecular consequence: synonymous variant.
Genome position (GRCh38, 1-based): chr7:94,404,746, T>G. VCF-style: chr7-94404746-T-G. GRCh37 (hg19) VCF-style: chr7-94034058-T-G.
Identifiers: ClinVar variation 3754837 (VCV003754837.2).
Genomic context (GRCh38, chr7:94,404,746, plus strand): 5'-CTTTTAGGGCCCTCAAGGTTTCCAAGGACCTGCTGGTGAGCCTGGTGAACCTGGTCAAAC[T>G]GTGAGTACATTTTTCCACCTTTGTGATAAGTTTTTTTCCAGGAAGTTTATGAATATAACC-3'
Protein context (NP_000080.2, residues 116-136): PAGEPGEPGQ[Thr126=]GPAGARGPAG